The following is an entry in ClinVar:

ClinVar aggregate classification (germline): Conflicting classifications of pathogenicity. Review status: criteria provided, conflicting classifications (1 of 4 stars). 3 submissions from 3 submitters: Uncertain significance (2); Likely benign (1). Last evaluated 2024-09-05.

Conditions:
Neonatal-onset encephalopathy with rigidity and seizures. Also called: Lethal neonatal spasticity-epileptic encephalopathy syndrome. Identifiers: Orphanet 435845, MedGen C3281029, MONDO:0013784, OMIM 614498.

Allele frequency attached by ClinVar (database versions not stated): TOPMed 0.00007.
gnomAD v4.1: 90 of 1,611,750 alleles (0.0056%); highest among the groups gnomAD compares: Admixed American, 0.01%; no homozygotes.

Submissions (3):

Labcorp Genetics (formerly Invitae), Labcorp
Classification: Uncertain significance for Neonatal-onset encephalopathy with rigidity and seizures. Last evaluated: 2024-09-05. Review status: criteria provided, single submitter. Criteria: Invitae Variant Classification Sherloc (09022015). Collection method: clinical testing. Allele origin: germline.
Comment: This sequence change replaces glycine, which is neutral and non-polar, with serine, which is neutral and polar, at codon 491 of the BRAT1 protein (p.Gly491Ser). This variant is present in population databases (rs773303692, gnomAD 0.007%). This variant has not been reported in the literature in individuals affected with BRAT1-related conditions. ClinVar contains an entry for this variant (Variation ID: 948759). Invitae Evidence Modeling of protein sequence and biophysical properties (such as structural, functional, and spatial information, amino acid conservation, physicochemical variation, residue mobility, and thermodynamic stability) indicates that this missense variant is not expected to disrupt BRAT1 protein function with a negative predictive value of 80%. In summary, the available evidence is currently insufficient to determine the role of this variant in disease. Therefore, it has been classified as a Variant of Uncertain Significance.

Blueprint Genetics
Classification: Likely benign. Last evaluated: 2024-09-03. Review status: criteria provided, single submitter. Criteria: ACMG Guidelines, 2015. Collection method: clinical testing. Allele origin: germline.

GeneDx
Classification: Uncertain significance. Last evaluated: 2023-12-05. Review status: criteria provided, single submitter. Criteria: GeneDx Variant Classification Process June 2021. Collection method: clinical testing. Allele origin: germline. Affected: yes.
Comment: Not observed at significant frequency in large population cohorts (gnomAD); In silico analysis supports that this missense variant does not alter protein structure/function; This variant is associated with the following publications: (PMID: 26870756)

NM_152743.4(BRAT1):c.1471G>A (p.Gly491Ser)

Gene: BRAT1 (BRCA1 associated ATM activator 1; minus strand). Cytogenetic location: 7p22.3.
Variant type: single nucleotide variant.
Coding change: c.1471G>A on transcript NM_152743.4 (MANE Select); coding-DNA position 1471, G replaced by A.
Protein change: p.Gly491Ser; replaces glycine 491 with serine.
Molecular consequence: missense variant. On other transcripts: non-coding transcript variant (1).
Genome position (GRCh38, 1-based): chr7:2,539,813, C>T on the plus strand (G>A on the coding strand, the complement: BRAT1 is on the minus strand). VCF-style: chr7-2539813-C-T. GRCh37 (hg19) VCF-style: chr7-2579447-C-T.
Other names: c.1471G>A, p.Gly491Ser (NM_001350626.2); c.946G>A, p.Gly316Ser (NM_001350627.2); short protein forms G316S, G491S.
Identifiers: ClinVar variation 948759 (VCV000948759.6), dbSNP rs773303692, ClinGen allele CA4127737.